The following is an entry in ClinVar:

ClinVar aggregate classification (germline): Benign. Review status: criteria provided, single submitter (1 of 4 stars). 2 submissions from 2 submitters: Benign (1). 1 of the submissions does not count toward it. Last evaluated 2026-01-01.

Conditions:
FBXO11-related disorder. Also called: FBXO11-related condition.

Allele frequency attached by ClinVar (database versions not stated): ExAC 0.00001; gnomAD 0.00002; TOPMed 0.00002; gnomAD exomes 0.00003.
gnomAD v4.1: 41 of 1,599,406 alleles (0.0026%); highest among the groups gnomAD compares: Middle Eastern, 0.083%; no homozygotes.

Submissions (2):

Labcorp Genetics (formerly Invitae), Labcorp
Classification: Benign. Last evaluated: 2026-01-01. Review status: criteria provided, single submitter. Criteria: Invitae Variant Classification Sherloc (09022015). Collection method: clinical testing. Allele origin: germline.

PreventionGenetics, part of Exact Sciences
Classification: Likely benign for FBXO11-related condition. Last evaluated: 2019-08-12. Review status: no assertion criteria provided. Collection method: clinical testing. Allele origin: germline. Not counted in ClinVar's aggregate classification.
Comment: This variant is classified as likely benign based on ACMG/AMP sequence variant interpretation guidelines (Richards et al. 2015 PMID: 25741868, with internal and published modifications).

NM_001190274.2(FBXO11):c.1616+5T>C

Gene: FBXO11 (F-box protein 11; minus strand). Cytogenetic location: 2p16.3.
Variant type: single nucleotide variant.
Coding change: c.1616+5T>C on transcript NM_001190274.2 (MANE Select); 5 bases into the intron after coding-DNA position 1616, T replaced by C.
Molecular consequence: intron variant.
Genome position (GRCh38, 1-based): chr2:47,823,138, A>G on the plus strand (T>C on the coding strand, the complement: FBXO11 is on the minus strand). VCF-style: chr2-47823138-A-G. GRCh37 (hg19) VCF-style: chr2-48050277-A-G.
Other names: c.1364+5T>C (NM_001374325.1, NM_025133.4); c.1616+5T>C (NM_001190274.1).
Identifiers: ClinVar variation 2071055 (VCV002071055.6), dbSNP rs772922665, ClinGen allele CA1649819.
Genomic context (GRCh38, chr2:47,823,138, plus strand): 5'-ATCTTGACTTTTAAGCAAACCTTGAAGTGAAAAAGTAATTTTCACCCATAATTATATGTA[A>G]ATACCTTATTGTTGGGTCACTATTTGAGGTAATCCATACACCTGCAAAGTTGTTTGCATA-3'